The following is an entry in ClinVar:

ClinVar aggregate classification (germline): Uncertain significance. Review status: criteria provided, multiple submitters, no conflicts (2 of 4 stars). 2 submissions from 2 submitters: Uncertain significance (2). Last evaluated 2025-03-18.

Conditions:
Alstrom syndrome (ALMS). Identifiers: Orphanet 64, MedGen C0268425, MONDO:0008763, OMIM 203800.
Cardiovascular phenotype. Identifiers: MedGen CN230736.

Submissions (2):

Ambry Genetics
Classification: Uncertain significance for Cardiovascular phenotype. Last evaluated: 2025-03-18. Review status: criteria provided, single submitter. Criteria: Ambry Variant Classification Scheme 2023. Collection method: clinical testing. Allele origin: germline.
Comment: The c.5394_5528del135 variant (also known as p.V1799_G1843del), located in coding exon 8 of the ALMS1 gene, results from an in-frame deletion of 135 nucleotides at nucleotide positions 5394 to 5528. This results in the in-frame deletion of 45 amino acids from codon 1799 to 1843. This amino acid region is not well conserved in available vertebrate species. In addition, this alteration is predicted to be deleterious by in silico analysis (Choi Y et al. PLoS ONE. 2012; 7(10):e46688). Since supporting evidence is limited at this time, the clinical significance of this alteration remains unclear.

Labcorp Genetics (formerly Invitae), Labcorp
Classification: Uncertain significance for Alstrom syndrome. Last evaluated: 2022-05-25. Review status: criteria provided, single submitter. Criteria: Invitae Variant Classification Sherloc (09022015). Collection method: clinical testing. Allele origin: germline.
Comment: This variant, c.5394_5528del, results in the deletion of 45 amino acid(s) of the ALMS1 protein (p.Val1799_Gly1843del), but otherwise preserves the integrity of the reading frame. This variant is not present in population databases (gnomAD no frequency). This variant has not been reported in the literature in individuals affected with ALMS1-related conditions. Experimental studies and prediction algorithms are not available or were not evaluated, and the functional significance of this variant is currently unknown. In summary, the available evidence is currently insufficient to determine the role of this variant in disease. Therefore, it has been classified as a Variant of Uncertain Significance.

NM_001378454.1(ALMS1):c.5391_5525del (p.Val1798_Gly1842del)

Gene: ALMS1 (ALMS1 centrosome and basal body associated protein; plus strand). Cytogenetic location: 2p13.1.
Variant type: Deletion.
Coding change: c.5391_5525del on transcript NM_001378454.1 (MANE Select); coding-DNA positions 5391 to 5525, 135 bases deleted.
Protein change: p.Val1798_Gly1842del.
Molecular consequence: inframe deletion.
Genome position (GRCh38, 1-based): chr2:73,451,918-73,452,052, 135 bases deleted. GRCh37 (hg19): chr2:73,679,045-73,679,179.
Other names: c.5394_5528del, p.Val1799_Gly1843del (NM_015120.4); c.5394_5528del135 (NM_015120.4).
Identifiers: ClinVar variation 1747240 (VCV001747240.5), dbSNP rs2466104671, ClinGen allele CA2580067984.